The following is an entry in ClinVar:

NM_000089.4(COL1A2):c.3320G>T (p.Gly1107Val)

Gene: COL1A2 (collagen type I alpha 2 chain; plus strand). Cytogenetic location: 7q21.3.
Variant type: single nucleotide variant.
Coding change: c.3320G>T on transcript NM_000089.4 (MANE Select); coding-DNA position 3320, G replaced by T.
Protein change: p.Gly1107Val; replaces glycine 1107 with valine.
Molecular consequence: missense variant.
Genome position (GRCh38, 1-based): chr7:94,427,679, G>T. VCF-style: chr7-94427679-G-T. GRCh37 (hg19) VCF-style: chr7-94056991-G-T.
Other names: short protein forms G1107V.
Identifiers: ClinVar variation 3752508 (VCV003752508.3).
Genomic context (GRCh38, chr7:94,427,679, plus strand): 5'-CTTTGCAGGGCCCCCCTGGTCCCCCTGGCCCTCCTGGACCTCCAGGTGTAAGCGGTGGTG[G>T]TTATGACTTTGGTTACGATGGAGACTTCTACAGGGCTGACCAGCCTCGCTCAGCACCTTC-3'
Protein context (NP_000080.2, residues 1097-1117): PPGPPGVSGG[Gly1107Val]YDFGYDGDFY

ClinVar aggregate classification (germline): Uncertain significance. Review status: criteria provided, multiple submitters, no conflicts (2 of 4 stars). 2 submissions from 2 submitters: Uncertain significance (2). Last evaluated 2024-05-22.

Conditions:
Osteogenesis imperfecta type I (OI1). Also called: Lobstein's Disease; OSTEOGENESIS IMPERFECTA TARDA; OSTEOGENESIS IMPERFECTA WITH BLUE SCLERAE; Lobstein disease; Classic Non-deforming Osteogenesis Imperfecta with Blue Sclerae; Osteogenesis imperfecta type 1. Identifiers: Orphanet 216796, Orphanet 666, MedGen C0023931, MONDO:0008146, OMIM 166200. Disease mechanism: loss of function.
Ehlers-Danlos syndrome, classic type, 1 (EDSCL1). Also called: EDS I; Ehlers-Danlos Syndrome, Classic Type, COL5A1-Related; Ehlers-Danlos syndrome, type 1; EHLERS-DANLOS SYNDROME, GRAVIS TYPE; EHLERS-DANLOS SYNDROME, SEVERE CLASSIC TYPE. Identifiers: MedGen C0268335, MONDO:0019567, OMIM 130000.

gnomAD v4.1: 4 of 1,614,136 alleles (0.00025%); highest among the groups gnomAD compares: Non-Finnish European, 0.00034%; no homozygotes.

Submissions (2):

Labcorp Genetics (formerly Invitae), Labcorp
Classification: Uncertain significance for Osteogenesis imperfecta type I; Ehlers-Danlos syndrome, classic type, 1. Last evaluated: 2024-05-22. Review status: criteria provided, single submitter. Criteria: Invitae Variant Classification Sherloc (09022015). Collection method: clinical testing. Allele origin: germline.
Comment: This sequence change replaces glycine, which is neutral and non-polar, with valine, which is neutral and non-polar, at codon 1107 of the COL1A2 protein (p.Gly1107Val). This variant is present in population databases (no rsID available, gnomAD 0.002%). This variant has not been reported in the literature in individuals affected with COL1A2-related conditions. Advanced modeling of protein sequence and biophysical properties (such as structural, functional, and spatial information, amino acid conservation, physicochemical variation, residue mobility, and thermodynamic stability) performed at Invitae indicates that this missense variant is not expected to disrupt COL1A2 protein function with a negative predictive value of 80%. In summary, the available evidence is currently insufficient to determine the role of this variant in disease. Therefore, it has been classified as a Variant of Uncertain Significance.

Blueprint Genetics
Classification: Uncertain significance. Last evaluated: 2023-02-03. Review status: criteria provided, single submitter. Criteria: ACMG Guidelines, 2015. Collection method: clinical testing. Allele origin: germline.